The following is an entry in ClinVar:

NM_152618.3(BBS12):c.508A>G (p.Ile170Val)

Gene: BBS12 (Bardet-Biedl syndrome 12; plus strand). Cytogenetic location: 4q27.
Variant type: single nucleotide variant.
Coding change: c.508A>G on transcript NM_152618.3 (MANE Select); coding-DNA position 508, A replaced by G.
Protein change: p.Ile170Val; replaces isoleucine 170 with valine.
Molecular consequence: missense variant.
Genome position (GRCh38, 1-based): chr4:122,742,400, A>G. VCF-style: chr4-122742400-A-G. GRCh37 (hg19) VCF-style: chr4-123663555-A-G.
Other names: c.508A>G, p.Ile170Val (NM_001178007.2); short protein forms I170V.
Identifiers: ClinVar variation 1472903 (VCV001472903.4), dbSNP rs1218692709, ClinGen allele CA358223088.

ClinVar aggregate classification (germline): Uncertain significance. Review status: criteria provided, multiple submitters, no conflicts (2 of 4 stars). 2 submissions from 2 submitters: Uncertain significance (2). Last evaluated 2022-05-19.

Conditions:
Bardet-Biedl syndrome 12 (BBS12). Identifiers: Orphanet 110, MedGen C1859570, MONDO:0014440, OMIM 615989.
Bardet-Biedl syndrome (BBS). Identifiers: Orphanet 110, MedGen C0752166, MONDO:0015229.

Allele frequency attached by ClinVar (database versions not stated): gnomAD 0.00001; TOPMed 0.00001.
gnomAD v4.1: 2 of 1,614,092 alleles (0.00012%); highest among the groups gnomAD compares: Admixed American, 0.0033%; no homozygotes.

Submissions (2):

Labcorp Genetics (formerly Invitae), Labcorp
Classification: Uncertain significance for Bardet-Biedl syndrome. Last evaluated: 2022-05-19. Review status: criteria provided, single submitter. Criteria: Invitae Variant Classification Sherloc (09022015). Collection method: clinical testing. Allele origin: germline.
Comment: This sequence change replaces isoleucine, which is neutral and non-polar, with valine, which is neutral and non-polar, at codon 170 of the BBS12 protein (p.Ile170Val). This variant is not present in population databases (gnomAD no frequency). This variant has not been reported in the literature in individuals affected with BBS12-related conditions. Algorithms developed to predict the effect of missense changes on protein structure and function output the following: SIFT: "Tolerated"; PolyPhen-2: "Benign"; Align-GVGD: "Class C0". The valine amino acid residue is found in multiple mammalian species, which suggests that this missense change does not adversely affect protein function. In summary, the available evidence is currently insufficient to determine the role of this variant in disease. Therefore, it has been classified as a Variant of Uncertain Significance.

Fulgent Genetics
Classification: Uncertain significance for Bardet-Biedl syndrome 12. Last evaluated: 2022-01-17. Review status: criteria provided, single submitter. Criteria: ACMG Guidelines, 2015. Collection method: clinical testing. Allele origin: unknown.